The following is an entry in ClinVar:

ClinVar aggregate classification (germline): Conflicting classifications of pathogenicity. Review status: criteria provided, conflicting classifications (1 of 4 stars). 8 submissions from 7 submitters: Uncertain significance (2); Benign (2); Likely benign (4). Last evaluated 2026-01-26.

Conditions:
Transitory neonatal diabetes mellitus. Also called: Transient neonatal diabetes mellitus. Identifiers: MedGen C0342273, MONDO:0020525, HP:0008255.
Maturity-onset diabetes of the young (MODY). Also called: Maturity onset diabetes mellitus in young. Identifiers: Orphanet 552, MedGen C0342276, MONDO:0018911, HP:0004904.

Allele frequency attached by ClinVar (database versions not stated): gnomAD exomes 0.00021 and 0.00053; ESP Exome Variant Server 0.00185; gnomAD 0.00200 and 0.00212; 1000 Genomes Project 30x 0.00203; TOPMed 0.00214; ExAC 0.00060; 1000 Genomes Project 0.00180.
gnomAD v4.1: 617 of 1,613,384 alleles (0.038%); highest among the groups gnomAD compares: African/African-American, 0.68%; 2 homozygotes.

Submissions (8):

Labcorp Genetics (formerly Invitae), Labcorp
Classification: Benign. Last evaluated: 2026-01-26. Review status: criteria provided, single submitter. Criteria: Invitae Variant Classification Sherloc (09022015). Collection method: clinical testing. Allele origin: germline.

ARUP Laboratories, Molecular Genetics and Genomics, ARUP Laboratories
Classification: Likely benign. Last evaluated: 2025-06-02. Review status: criteria provided, single submitter. Criteria: ARUP Molecular Germline Variant Investigation Process 2024. Collection method: clinical testing. Allele origin: germline.

Blueprint Genetics
Classification: Likely benign. Last evaluated: 2024-10-23. Review status: criteria provided, single submitter. Criteria: ACMG Guidelines, 2015. Collection method: clinical testing. Allele origin: germline.

Women's Health and Genetics/Laboratory Corporation of America, LabCorp
Classification: Benign. Last evaluated: 2023-12-19. Review status: criteria provided, single submitter. Criteria: LabCorp Variant Classification Summary - May 2015. Collection method: clinical testing. Allele origin: germline.
Comment: Variant summary: ABCC8 c.4545+13C>T alters a conserved nucleotide located at a position not widely known to affect splicing. Consensus agreement among computation tools predict no significant impact on normal splicing. However, these predictions have yet to be confirmed by functional studies. The variant allele was found at a frequency of 0.00053 in 250784 control chromosomes, predominantly at a frequency of 0.007 within the African or African-American subpopulation in the gnomAD database. The observed variant frequency within African or African-American control individuals in the gnomAD database is approximately 2-fold of the estimated maximal expected allele frequency for a pathogenic variant in ABCC8 causing Congenital Hyperinsulinism phenotype (0.0034), strongly suggesting that the variant is a benign polymorphism found primarily in populations of African or African-American origin. c.4545+13C>T has been reported in the literature as a benign change in individuals affected with Congenital Hyperinsulinism (example, Snider_2013). These report(s) do not provide unequivocal conclusions about association of the variant with Congenital Hyperinsulinism. To our knowledge, no experimental evidence demonstrating an impact on protein function has been reported. The following publication have been ascertained in the context of this evaluation (PMID: 23275527). Two submitters have cited clinical-significance assessments for this variant to ClinVar after 2014. Both submitters classified the variant as benign/likely benign. Based on the evidence outlined above, the variant was classified as benign.

Athena Diagnostics
Classification: Likely benign. Last evaluated: 2018-01-15. Review status: criteria provided, single submitter. Criteria: Athena Diagnostics Criteria. Collection method: clinical testing. Allele origin: germline.

Clinical Genomics, Uppaluri K&H Personalized Medicine Clinic
Classification: Uncertain significance for Maturity-onset diabetes of the young. Review status: criteria provided, single submitter. Criteria: K & H Uppaluri Personalized Medicine Clinic Variant Classification & Assertion Criteria_Updated V.1. Collection method: research. Allele origin: somatic. Inheritance: Somatic mutation.
Comment: Mutations in ABCC8 gene are associated with both neonatal diabetes mellitus as well as MODY. Patients with this mutation may have a better response to sulfonylureas. However, no sufficient evidence is found to ascertain the role of this particular variant (rs78338172) in MODY yet.

Clinical Genomics, Uppaluri K&H Personalized Medicine Clinic
Classification: Uncertain significance for Transitory neonatal diabetes mellitus. Review status: criteria provided, single submitter. Criteria: K & H Uppaluri Personalized Medicine Clinic Variant Classification & Assertion Criteria_Updated V.1. Collection method: research. Allele origin: somatic. Inheritance: Somatic mutation.
Comment: Mutations in ABCC8 gene are associated with both neonatal diabetes mellitus as well as MODY. Patients with this mutation may have a better response to sulfonylureas. However, no sufficient evidence is found to ascertain the role of this particular variant (rs78338172 ) in neonatal diabetes yet.

PreventionGenetics, part of Exact Sciences
Classification: Likely benign. Review status: criteria provided, single submitter. Criteria: ACMG Guidelines, 2015. Collection method: clinical testing. Allele origin: germline.

Literature cited by the submitters: PubMed 23275527 (cited by Women's Health and Genetics/Laboratory Corporation of America, LabCorp); PubMed 16885549 (cited by Clinical Genomics, Uppaluri K&H Personalized Medicine Clinic); PubMed 21989597 (cited by Clinical Genomics, Uppaluri K&H Personalized Medicine Clinic); PubMed 27538677 (cited by Clinical Genomics, Uppaluri K&H Personalized Medicine Clinic); PubMed 18981553 (cited by Clinical Genomics, Uppaluri K&H Personalized Medicine Clinic); PubMed 32027066 (cited by Clinical Genomics, Uppaluri K&H Personalized Medicine Clinic); PubMed 16613899 (cited by Clinical Genomics, Uppaluri K&H Personalized Medicine Clinic); PubMed 18025408 (cited by Clinical Genomics, Uppaluri K&H Personalized Medicine Clinic); PubMed 32792356 (cited by Clinical Genomics, Uppaluri K&H Personalized Medicine Clinic).

NM_000352.6(ABCC8):c.4545+13C>T

Gene: ABCC8 (ATP binding cassette subfamily C member 8; minus strand). Cytogenetic location: 11p15.1.
Variant type: single nucleotide variant.
Coding change: c.4545+13C>T on transcript NM_000352.6 (MANE Select); 13 bases into the intron after coding-DNA position 4545, C replaced by T.
Molecular consequence: intron variant.
Genome position (GRCh38, 1-based): chr11:17,394,253, G>A on the plus strand (C>T on the coding strand, the complement: ABCC8 is on the minus strand). VCF-style: chr11-17394253-G-A. GRCh37 (hg19) VCF-style: chr11-17415800-G-A.
Other names: c.4542+13C>T (NM_001351297.2); c.4545+13C>T (NM_001351296.2); c.4611+13C>T (NM_001351295.2); c.4548+13C>T (NM_001287174.3).
Identifiers: ClinVar variation 255933 (VCV000255933.14), dbSNP rs78338172, ClinGen allele CA5902447.